The following is an entry in ClinVar:

ClinVar aggregate classification (germline): Likely benign. Review status: criteria provided, multiple submitters, no conflicts (2 of 4 stars). 2 submissions from 2 submitters: Likely benign (2). Last evaluated 2025-09-16.

Allele frequency attached by ClinVar (database versions not stated): gnomAD exomes below 0.00001.
gnomAD v4.1: 1 of 1,613,966 alleles (0.000062%); highest among the groups gnomAD compares: Admixed American, 0.0017%; no homozygotes.

Submissions (2):

Labcorp Genetics (formerly Invitae), Labcorp
Classification: Likely benign. Last evaluated: 2025-09-16. Review status: criteria provided, single submitter. Criteria: Invitae Variant Classification Sherloc (09022015). Collection method: clinical testing. Allele origin: germline.

Mayo Clinic Laboratories, Mayo Clinic
Classification: Likely benign. Last evaluated: 2025-06-09. Review status: criteria provided, single submitter. Criteria: ACMG Guidelines, 2015. Collection method: clinical testing. Allele origin: germline. Observed: 1 variant allele.
Comment: BP4, BP7

NM_015559.3(SETBP1):c.358T>C (p.Leu120=)

Gene: SETBP1 (SET binding protein 1; plus strand). Cytogenetic location: 18q12.3.
Variant type: single nucleotide variant.
Coding change: c.358T>C on transcript NM_015559.3 (MANE Select); coding-DNA position 358, T replaced by C.
Protein change: p.Leu120=; no amino-acid change (leucine 120 retained).
Molecular consequence: synonymous variant.
Genome position (GRCh38, 1-based): chr18:44,701,704, T>C. VCF-style: chr18-44701704-T-C. GRCh37 (hg19) VCF-style: chr18-42281669-T-C.
Other names: p.Leu120=; c.358T>C, p.Leu120= (NM_001130110.2, NM_001379141.1, NM_001379142.1 and 1 more transcripts).
Identifiers: ClinVar variation 2904566 (VCV002904566.4), dbSNP rs750757042, ClinGen allele CA299822611.